The following is an entry in ClinVar:

ClinVar aggregate classification (germline): Uncertain significance. Review status: criteria provided, multiple submitters, no conflicts (2 of 4 stars). 3 submissions from 3 submitters: Uncertain significance (3). Last evaluated 2026-05-09.

Conditions:
ABCC2-related disorder. Also called: ABCC2-related condition.
Dubin-Johnson syndrome (DJS). Also called: HYPERBILIRUBINEMIA, DUBIN-JOHNSON TYPE; Hyperbilirubinemia type 2; Jaundice, Chronic Idiopathic. Identifiers: Orphanet 234, MedGen C0022350, MONDO:0009380, OMIM 237500.

Allele frequency attached by ClinVar (database versions not stated): gnomAD 0.00044 and 0.00045; TOPMed 0.00050; 1000 Genomes Project 0.00060; gnomAD exomes 0.00060; 1000 Genomes Project 30x 0.00062; ESP Exome Variant Server 0.00062; ExAC 0.00064.
gnomAD v4.1: 797 of 1,614,124 alleles (0.049%); highest among the groups gnomAD compares: Admixed American, 0.073%; 1 homozygote.

Submissions (3):

PreventionGenetics, part of Exact Sciences
Classification: Uncertain significance for ABCC2-related condition. Last evaluated: 2026-05-09. Review status: criteria provided, single submitter. Criteria: ACMG Guidelines, 2015. Collection method: clinical testing. Allele origin: germline.
Comment: The ABCC2 c.3236G>A variant is predicted to result in the amino acid substitution p.Arg1079Gln. To our knowledge, this variant has not been reported in the literature. This variant is reported in 0.11% of alleles in individuals of European (Finnish) descent in gnomAD, including one homozygote. Although we suspect that this variant may be benign, at this time, the clinical significance of this variant is uncertain due to the absence of conclusive functional and genetic evidence.

Illumina Laboratory Services, Illumina
Classification: Uncertain significance for Dubin-Johnson syndrome. Last evaluated: 2018-01-13. Review status: criteria provided, single submitter. Criteria: ICSL Variant Classification Criteria 13 December 2019. Collection method: clinical testing. Allele origin: germline.

Eurofins Ntd Llc (ga)
Classification: Uncertain significance. Last evaluated: 2017-10-04. Review status: criteria provided, single submitter. Criteria: EGL Classification Definitions 2015. Collection method: clinical testing. Allele origin: germline. Observed: 3 variant alleles, 3 heterozygotes.

NM_000392.5(ABCC2):c.3236G>A (p.Arg1079Gln)

Gene: ABCC2 (ATP binding cassette subfamily C member 2; plus strand). Cytogenetic location: 10q24.2.
Variant type: single nucleotide variant.
Coding change: c.3236G>A on transcript NM_000392.5 (MANE Select); coding-DNA position 3236, G replaced by A.
Protein change: p.Arg1079Gln; replaces arginine 1079 with glutamine.
Molecular consequence: missense variant.
Genome position (GRCh38, 1-based): chr10:99,832,109, G>A. VCF-style: chr10-99832109-G-A. GRCh37 (hg19) VCF-style: chr10-101591866-G-A.
Other names: c.3236G>A (NM_000392.4); c.3236G>A, p.Arg1079Gln (LRG_1208t1); short protein forms R1079Q.
Identifiers: ClinVar variation 498042 (VCV000498042.11), dbSNP rs145672804, ClinGen allele CA5643725.